The following is an entry in ClinVar:

NM_001371928.1(AHDC1):c.2287G>A (p.Glu763Lys)

Gene: AHDC1 (AT-hook DNA binding motif containing 1; minus strand). Cytogenetic location: 1p36.11.
Variant type: single nucleotide variant.
Coding change: c.2287G>A on transcript NM_001371928.1 (MANE Select); coding-DNA position 2287, G replaced by A.
Protein change: p.Glu763Lys; replaces glutamic acid 763 with lysine.
Molecular consequence: missense variant.
Genome position (GRCh38, 1-based): chr1:27,549,829, C>T on the plus strand (G>A on the coding strand, the complement: AHDC1 is on the minus strand). VCF-style: chr1-27549829-C-T. GRCh37 (hg19) VCF-style: chr1-27876340-C-T.
Other names: c.2287G>A, p.Glu763Lys (NM_001029882.3); short protein forms E763K.
Identifiers: ClinVar variation 1702784 (VCV001702784.2), dbSNP rs2148279080, ClinGen allele CA339232217.

ClinVar aggregate classification (germline): Uncertain significance (1 of 4 stars; one submission).

Submission:

GeneDx
Classification: Uncertain significance. Last evaluated: 2022-02-19. Review status: criteria provided, single submitter. Criteria: GeneDx Variant Classification Process June 2021. Collection method: clinical testing. Allele origin: germline. Affected: yes.
Comment: Not observed at significant frequency in large population cohorts (gnomAD); In silico analysis supports that this missense variant does not alter protein structure/function; Has not been previously published as pathogenic or benign to our knowledge